The following is an entry in ClinVar:

NM_005228.5(EGFR):c.1244C>A (p.Thr415Lys)

Gene: EGFR (epidermal growth factor receptor; plus strand). Cytogenetic location: 7p11.2.
Variant type: single nucleotide variant.
Coding change: c.1244C>A on transcript NM_005228.5 (MANE Select); coding-DNA position 1244, C replaced by A.
Protein change: p.Thr415Lys; replaces threonine 415 with lysine.
Molecular consequence: missense variant.
Genome position (GRCh38, 1-based): chr7:55,157,699, C>A. VCF-style: chr7-55157699-C-A. GRCh37 (hg19) VCF-style: chr7-55225392-C-A.
Other names: c.1109C>A, p.Thr370Lys (NM_001346897.2, NM_001346899.2); c.1244C>A, p.Thr415Lys (NM_001346898.2, NM_201282.2, NM_201284.2); c.1085C>A, p.Thr362Lys (NM_001346900.2); c.443C>A, p.Thr148Lys (NM_001346941.2); short protein forms T148K, T362K, T370K, T415K.
Identifiers: ClinVar variation 957238 (VCV000957238.7), dbSNP rs1274543317, ClinGen allele CA367579170.

ClinVar aggregate classification (germline): Uncertain significance. Review status: criteria provided, multiple submitters, no conflicts (2 of 4 stars). 2 submissions from 2 submitters: Uncertain significance (2). Last evaluated 2026-02-15.

Conditions:
Hereditary cancer-predisposing syndrome. Also called: Tumor predisposition; Hereditary neoplastic syndrome; Hereditary Cancer Syndrome; Neoplastic Syndromes, Hereditary. Identifiers: Orphanet 140162, MedGen C0027672, MeSH D009386, MONDO:0015356.
EGFR-related lung cancer (EGFR). Identifiers: MedGen CN130014.

Allele frequency attached by ClinVar (database versions not stated): TOPMed below 0.00001; gnomAD 0.00001.
gnomAD v4.1: 22 of 1,614,088 alleles (0.0014%); highest among the groups gnomAD compares: Non-Finnish European, 0.0019%; no homozygotes.

Submissions (2):

Ambry Genetics
Classification: Uncertain significance for Hereditary cancer-predisposing syndrome. Last evaluated: 2026-02-15. Review status: criteria provided, single submitter. Criteria: Ambry Variant Classification Scheme 2023. Collection method: clinical testing. Allele origin: germline.
Comment: The p.T415K variant (also known as c.1244C>A), located in coding exon 11 of the EGFR gene, results from a C to A substitution at nucleotide position 1244. The threonine at codon 415 is replaced by lysine, an amino acid with similar properties. This amino acid position is conserved. In addition, this alteration is predicted to be deleterious by in silico analysis. Based on the available evidence, the clinical significance of this variant remains unclear.

Labcorp Genetics (formerly Invitae), Labcorp
Classification: Uncertain significance for EGFR-related lung cancer. Last evaluated: 2025-04-01. Review status: criteria provided, single submitter. Criteria: Invitae Variant Classification Sherloc (09022015). Collection method: clinical testing. Allele origin: germline.
Comment: This sequence change replaces threonine, which is neutral and polar, with lysine, which is basic and polar, at codon 415 of the EGFR protein (p.Thr415Lys). This variant is not present in population databases (gnomAD no frequency). This variant has not been reported in the literature in individuals affected with EGFR-related conditions. ClinVar contains an entry for this variant (Variation ID: 957238). Invitae Evidence Modeling of protein sequence and biophysical properties (such as structural, functional, and spatial information, amino acid conservation, physicochemical variation, residue mobility, and thermodynamic stability) indicates that this missense variant is not expected to disrupt EGFR protein function with a negative predictive value of 80%. In summary, the available evidence is currently insufficient to determine the role of this variant in disease. Therefore, it has been classified as a Variant of Uncertain Significance.